The following is an entry in ClinVar:

NM_001276345.2(TNNT2):c.228G>C (p.Lys76Asn)

Gene: TNNT2 (troponin T2, cardiac type; minus strand). Cytogenetic location: 1q32.1.
Variant type: single nucleotide variant.
Coding change: c.228G>C on transcript NM_001276345.2 (MANE Select); coding-DNA position 228, G replaced by C.
Protein change: p.Lys76Asn; replaces lysine 76 with asparagine.
Molecular consequence: missense variant.
Genome position (GRCh38, 1-based): chr1:201,366,843, C>G on the plus strand (G>C on the coding strand, the complement: TNNT2 is on the minus strand). VCF-style: chr1-201366843-C-G. GRCh37 (hg19) VCF-style: chr1-201335971-C-G.
Other names: c.228G>C, p.Lys76Asn (NM_000364.4); c.198G>C, p.Lys66Asn (NM_001001430.3, NM_001001431.3, NM_001276347.2); c.183G>C, p.Lys61Asn (NM_001001432.3); c.225G>C, p.Lys75Asn (NM_001276346.2); short protein forms K66N, K76N, K61N, K75N.
Identifiers: ClinVar variation 179442 (VCV000179442.5), dbSNP rs727504869, ClinGen allele CA004120.

ClinVar aggregate classification (germline): Uncertain significance (1 of 4 stars; one submission).

Submission:

Laboratory for Molecular Medicine, Mass General Brigham Personalized Medicine
Classification: Uncertain significance. Last evaluated: 2013-11-21. Review status: criteria provided, single submitter. Criteria: LMM Criteria. Collection method: clinical testing. Allele origin: germline. Observed: 1 variant allele.
Comment: The Lys66Asn variant in TNNT2 has not been previously reported in individuals wi th cardiomyopathy or in large population studies. Computational analyses (bioche mical amino acid properties, conservation, AlignGVGD, PolyPhen2, and SIFT) do no t provide strong support for or against an impact to the protein. Additional inf ormation is needed to fully assess the clinical significance of the Lys66Asn var iant.